The following is an entry in ClinVar:

NM_001171.6(ABCC6):c.163A>G (p.Ile55Val)

Gene: ABCC6 (ATP binding cassette subfamily C member 6; minus strand). Cytogenetic location: 16p13.11.
Variant type: single nucleotide variant.
Coding change: c.163A>G on transcript NM_001171.6 (MANE Select); coding-DNA position 163, A replaced by G.
Protein change: p.Ile55Val; replaces isoleucine 55 with valine.
Molecular consequence: missense variant. On other transcripts: 5 prime UTR variant (1), non-coding transcript variant (1).
Genome position (GRCh38, 1-based): chr16:16,221,705, T>C on the plus strand (A>G on the coding strand, the complement: ABCC6 is on the minus strand). VCF-style: chr16-16221705-T-C. GRCh37 (hg19) VCF-style: chr16-16315562-T-C.
Other names: c.163A>G, p.Ile55Val (NM_001079528.4); c.-211A>G (NM_001351800.1); short protein forms I55V.
Identifiers: ClinVar variation 3876540 (VCV003876540.2).

ClinVar aggregate classification (germline): Uncertain significance. Review status: criteria provided, multiple submitters, no conflicts (2 of 4 stars). 2 submissions from 2 submitters: Uncertain significance (2). Last evaluated 2026-06-01.

Conditions:
Inborn genetic diseases. Identifiers: MedGen C0950123, MeSH D030342.

gnomAD v4.1: 33 of 1,613,744 alleles (0.002%); highest among the groups gnomAD compares: South Asian, 0.014%; no homozygotes.

Submissions (2):

CeGaT Center for Human Genetics Tuebingen
Classification: Uncertain significance. Last evaluated: 2026-06-01. Review status: criteria provided, single submitter. Criteria: CeGaT Center For Human Genetics Tuebingen Variant Classification Criteria Version 2. Collection method: clinical testing. Allele origin: germline. Affected: yes. Observed: 1 variant allele.
Comment: ABCC6: PM2, BP4

Ambry Genetics
Classification: Uncertain significance for Inborn genetic diseases. Last evaluated: 2025-01-19. Review status: criteria provided, single submitter. Criteria: Ambry Variant Classification Scheme 2023. Collection method: clinical testing. Allele origin: germline.